The following is an entry in ClinVar:

NM_020778.5(ALPK3):c.2842G>T (p.Gly948Cys)

Gene: ALPK3 (alpha kinase 3; plus strand). Cytogenetic location: 15q25.3.
Variant type: single nucleotide variant.
Coding change: c.2842G>T on transcript NM_020778.5 (MANE Select); coding-DNA position 2842, G replaced by T.
Protein change: p.Gly948Cys; replaces glycine 948 with cysteine.
Molecular consequence: missense variant.
Genome position (GRCh38, 1-based): chr15:84,857,580, G>T. VCF-style: chr15-84857580-G-T. GRCh37 (hg19) VCF-style: chr15-85400811-G-T.
Other names: short protein forms G948C.
Identifiers: ClinVar variation 1731523 (VCV001731523.7), dbSNP rs1217503979, ClinGen allele CA393358561.

ClinVar aggregate classification (germline): Uncertain significance. Review status: criteria provided, multiple submitters, no conflicts (2 of 4 stars). 3 submissions from 3 submitters: Uncertain significance (3). Last evaluated 2026-06-05.

Conditions:
Cardiovascular phenotype. Identifiers: MedGen CN230736.

gnomAD v4.1: 5 of 1,572,880 alleles (0.00032%); highest among the groups gnomAD compares: Admixed American, 0.0089%; no homozygotes.

Submissions (3):

Women's Health and Genetics/Laboratory Corporation of America, LabCorp
Classification: Uncertain significance. Last evaluated: 2026-06-05. Review status: criteria provided, single submitter. Criteria: LabCorp Variant Classification Summary - May 2015. Collection method: clinical testing. Allele origin: germline.

Ambry Genetics
Classification: Uncertain significance for Cardiovascular phenotype. Last evaluated: 2025-01-18. Review status: criteria provided, single submitter. Criteria: Ambry Variant Classification Scheme 2023. Collection method: clinical testing. Allele origin: germline.

Labcorp Genetics (formerly Invitae), Labcorp
Classification: Uncertain significance. Last evaluated: 2024-03-12. Review status: criteria provided, single submitter. Criteria: Invitae Variant Classification Sherloc (09022015). Collection method: clinical testing. Allele origin: germline.
Comment: This sequence change replaces glycine, which is neutral and non-polar, with cysteine, which is neutral and slightly polar, at codon 1150 of the ALPK3 protein (p.Gly1150Cys). This variant is present in population databases (no rsID available, gnomAD 0.003%). This variant has not been reported in the literature in individuals affected with ALPK3-related conditions. ClinVar contains an entry for this variant (Variation ID: 1731523). Advanced modeling of protein sequence and biophysical properties (such as structural, functional, and spatial information, amino acid conservation, physicochemical variation, residue mobility, and thermodynamic stability) performed at Invitae indicates that this missense variant is expected to disrupt ALPK3 protein function with a positive predictive value of 80%. In summary, the available evidence is currently insufficient to determine the role of this variant in disease. Therefore, it has been classified as a Variant of Uncertain Significance.